The following is an entry in ClinVar:

ClinVar aggregate classification (germline): Uncertain significance (1 of 4 stars; one submission).

Conditions:
Microphthalmia, syndromic 11 (MCOPS11). Identifiers: MedGen C3553077, MONDO:0013734, OMIM 614402.

Submission:

Labcorp Genetics (formerly Invitae), Labcorp
Classification: Uncertain significance for Microphthalmia, syndromic 11. Last evaluated: 2024-04-03. Review status: criteria provided, single submitter. Criteria: Invitae Variant Classification Sherloc (09022015). Collection method: clinical testing. Allele origin: germline.
Comment: This sequence change creates a premature translational stop signal (p.Glu17*) in the VAX1 gene. It is expected to result in an absent or disrupted protein product. However, the current clinical and genetic evidence is not sufficient to establish whether loss-of-function variants in VAX1 cause disease. This variant is not present in population databases (gnomAD no frequency). This variant has not been reported in the literature in individuals affected with VAX1-related conditions. In summary, the available evidence is currently insufficient to determine the role of this variant in disease. Therefore, it has been classified as a Variant of Uncertain Significance.

NM_001112704.2(VAX1):c.49G>T (p.Glu17Ter)

Gene: VAX1 (ventral anterior homeobox 1; minus strand). Cytogenetic location: 10q25.3.
Variant type: single nucleotide variant.
Coding change: c.49G>T on transcript NM_001112704.2 (MANE Select); coding-DNA position 49, G replaced by T.
Protein change: p.Glu17Ter; replaces glutamic acid 17 with a stop codon.
Molecular consequence: nonsense.
Genome position (GRCh38, 1-based): chr10:117,138,008, C>A on the plus strand (G>T on the coding strand, the complement: VAX1 is on the minus strand). VCF-style: chr10-117138008-C-A. GRCh37 (hg19) VCF-style: chr10-118897519-C-A.
Other names: c.49G>T, p.Glu17Ter (NM_199131.3); short protein forms E17*.
Identifiers: ClinVar variation 3648715 (VCV003648715.2).